The following is an entry in ClinVar:

ClinVar aggregate classification (germline): Uncertain significance (1 of 4 stars; one submission).

Conditions:
DYRK1A-related intellectual disability syndrome (MRD7). Also called: DYRK1A Syndrome; Intellectual developmental disorder, autosomal dominant 7. Identifiers: Orphanet 464306, MedGen C5568143, MONDO:0013578, OMIM 614104.

Allele frequency attached by ClinVar (database versions not stated): gnomAD exomes below 0.00001.
gnomAD v4.1: 4 of 1,614,232 alleles (0.00025%); highest among the groups gnomAD compares: Non-Finnish European, 0.00034%; no homozygotes.

Submission:

Labcorp Genetics (formerly Invitae), Labcorp
Classification: Uncertain significance for DYRK1A-related intellectual disability syndrome. Last evaluated: 2025-06-23. Review status: criteria provided, single submitter. Criteria: Invitae Variant Classification Sherloc (09022015). Collection method: clinical testing. Allele origin: germline.
Comment: This sequence change replaces serine, which is neutral and polar, with cysteine, which is neutral and slightly polar, at codon 723 of the DYRK1A protein (p.Ser723Cys). This variant is not present in population databases (gnomAD no frequency). This variant has not been reported in the literature in individuals affected with DYRK1A-related conditions. ClinVar contains an entry for this variant (Variation ID: 2113830). Invitae Evidence Modeling of protein sequence and biophysical properties (such as structural, functional, and spatial information, amino acid conservation, physicochemical variation, residue mobility, and thermodynamic stability) indicates that this missense variant is not expected to disrupt DYRK1A protein function with a negative predictive value of 95%. In summary, the available evidence is currently insufficient to determine the role of this variant in disease. Therefore, it has been classified as a Variant of Uncertain Significance.

NM_001347721.2(DYRK1A):c.2141C>G (p.Ser714Cys)

Gene: DYRK1A (dual specificity tyrosine phosphorylation regulated kinase 1A; plus strand). Cytogenetic location: 21q22.13.
Variant type: single nucleotide variant.
Coding change: c.2141C>G on transcript NM_001347721.2 (MANE Select); coding-DNA position 2141, C replaced by G.
Protein change: p.Ser714Cys; replaces serine 714 with cysteine.
Molecular consequence: missense variant. On other transcripts: 3 prime UTR variant (2).
Genome position (GRCh38, 1-based): chr21:37,512,407, C>G. VCF-style: chr21-37512407-C-G. GRCh37 (hg19) VCF-style: chr21-38884710-C-G.
Other names: c.2141C>G, p.Ser714Cys (NM_001347722.2, NM_130436.2); c.2054C>G, p.Ser685Cys (NM_001347723.2); c.2168C>G, p.Ser723Cys (NM_001396.5); c.*544C>G (NM_101395.2); c.*453C>G (NM_130438.2); short protein forms S685C, S714C, S723C.
Identifiers: ClinVar variation 2113830 (VCV002113830.4), dbSNP rs572876706, ClinGen allele CA320470037.